The following is an entry in ClinVar:

NM_000174.5(GP9):c.2T>C (p.Met1Thr)

Gene: GP9 (glycoprotein IX platelet; plus strand). Cytogenetic location: 3q21.3.
Variant type: single nucleotide variant.
Coding change: c.2T>C on transcript NM_000174.5 (MANE Select); coding-DNA position 2, T replaced by C.
Protein change: p.Met1Thr; changes the start codon (methionine 1).
Molecular consequence: missense variant, initiator codon variant.
Genome position (GRCh38, 1-based): chr3:129,061,741, T>C. VCF-style: chr3-129061741-T-C. GRCh37 (hg19) VCF-style: chr3-128780584-T-C.
Other names: short protein forms M1T.
Identifiers: ClinVar variation 2190152 (VCV002190152.5), dbSNP rs2529776935, ClinGen allele CA354446195.

ClinVar aggregate classification (germline): Pathogenic (1 of 4 stars; one submission).

Submission:

Labcorp Genetics (formerly Invitae), Labcorp
Classification: Pathogenic. Last evaluated: 2021-12-18. Review status: criteria provided, single submitter. Criteria: Invitae Variant Classification Sherloc (09022015). Collection method: clinical testing. Allele origin: germline.
Comment: For these reasons, this variant has been classified as Pathogenic. This variant disrupts a region of the GP9 protein in which other variant(s) (p.Cys24Arg) have been determined to be pathogenic (PMID: 11167791, 21173099, 21699652, 23402648). This suggests that this is a clinically significant region of the protein, and that variants that disrupt it are likely to be disease-causing. This variant has not been reported in the literature in individuals affected with GP9-related conditions. This variant is not present in population databases (gnomAD no frequency). This sequence change affects the initiator methionine of the GP9 mRNA. The next in-frame methionine is located at codon 32.

Literature cited by the submitters: PubMed 11167791; PubMed 21173099; PubMed 21699652; PubMed 23402648.